The following is an entry in ClinVar:

ClinVar aggregate classification (germline): Uncertain significance. Review status: criteria provided, multiple submitters, no conflicts (2 of 4 stars). 3 submissions from 3 submitters: Uncertain significance (3). Last evaluated 2025-09-21.

Conditions:
Cardiovascular phenotype. Identifiers: MedGen CN230736.
Brugada syndrome. Also called: Sudden unexpected nocturnal death syndrome; Sudden unexplained nocturnal death syndrome; Sudden Unexplained Death Syndrome; Sudden Unexplained Nocturnal Death Syndrome (SUNDS). Identifiers: Orphanet 130, MedGen C1142166, MONDO:0015263.

Allele frequency attached by ClinVar (database versions not stated): ExAC 0.00001; gnomAD exomes 0.00001; gnomAD 0.00003; TOPMed 0.00003.
gnomAD v4.1: 62 of 1,614,070 alleles (0.0038%); highest among the groups gnomAD compares: Non-Finnish European, 0.0051%; no homozygotes.

Submissions (3):

Ambry Genetics
Classification: Uncertain significance for Cardiovascular phenotype. Last evaluated: 2025-09-21. Review status: criteria provided, single submitter. Criteria: Ambry Variant Classification Scheme 2023. Collection method: clinical testing. Allele origin: germline.
Comment: The p.F1619L variant (also known as c.4857C>A), located in coding exon 27 of the SCN10A gene, results from a C to A substitution at nucleotide position 4857. The phenylalanine at codon 1619 is replaced by leucine, an amino acid with highly similar properties. This amino acid position is highly conserved in available vertebrate species. In addition, this alteration is predicted to be deleterious by in silico analysis. Since supporting evidence is limited at this time, the clinical significance of this alteration remains unclear.

Labcorp Genetics (formerly Invitae), Labcorp
Classification: Uncertain significance for Brugada syndrome. Last evaluated: 2025-04-10. Review status: criteria provided, single submitter. Criteria: Invitae Variant Classification Sherloc (09022015). Collection method: clinical testing. Allele origin: germline.
Comment: This sequence change replaces phenylalanine, which is neutral and non-polar, with leucine, which is neutral and non-polar, at codon 1619 of the SCN10A protein (p.Phe1619Leu). This variant is present in population databases (rs767025015, gnomAD 0.002%). This variant has not been reported in the literature in individuals affected with SCN10A-related conditions. ClinVar contains an entry for this variant (Variation ID: 644121). Invitae Evidence Modeling of protein sequence and biophysical properties (such as structural, functional, and spatial information, amino acid conservation, physicochemical variation, residue mobility, and thermodynamic stability) indicates that this missense variant is expected to disrupt SCN10A protein function with a positive predictive value of 80%. In summary, the available evidence is currently insufficient to determine the role of this variant in disease. Therefore, it has been classified as a Variant of Uncertain Significance.

AiLife Diagnostics
Classification: Uncertain significance. Last evaluated: 2022-02-21. Review status: criteria provided, single submitter. Criteria: ACMG Guidelines, 2015. Collection method: clinical testing. Allele origin: germline. Affected: yes. Observed: 1 variant allele.

NM_006514.4(SCN10A):c.4857C>A (p.Phe1619Leu)

Gene: SCN10A (sodium voltage-gated channel alpha subunit 10; minus strand). Cytogenetic location: 3p22.2.
Variant type: single nucleotide variant.
Coding change: c.4857C>A on transcript NM_006514.4 (MANE Select); coding-DNA position 4857, C replaced by A.
Protein change: p.Phe1619Leu; replaces phenylalanine 1619 with leucine.
Molecular consequence: missense variant.
Genome position (GRCh38, 1-based): chr3:38,698,363, G>T on the plus strand (C>A on the coding strand, the complement: SCN10A is on the minus strand). VCF-style: chr3-38698363-G-T. GRCh37 (hg19) VCF-style: chr3-38739854-G-T.
Other names: c.4854C>A, p.Phe1618Leu (NM_001293306.2); c.4563C>A, p.Phe1521Leu (NM_001293307.2); short protein forms F1619L, F1521L, F1618L.
Identifiers: ClinVar variation 644121 (VCV000644121.8), dbSNP rs767025015, ClinGen allele CA2319794.